The following is an entry in ClinVar:

ClinVar aggregate classification (germline): Uncertain significance (1 of 4 stars; one submission).

Conditions:
Brugada syndrome 5 (BRGDA5). Identifiers: Orphanet 130, Orphanet 871, MedGen C2748541, MONDO:0013015, OMIM 612838.

Submission:

Labcorp Genetics (formerly Invitae), Labcorp
Classification: Uncertain significance for Brugada syndrome 5. Last evaluated: 2022-08-16. Review status: criteria provided, single submitter. Criteria: Invitae Variant Classification Sherloc (09022015). Collection method: clinical testing. Allele origin: germline.
Comment: In summary, the available evidence is currently insufficient to determine the role of this variant in disease. Therefore, it has been classified as a Variant of Uncertain Significance. Experimental studies and prediction algorithms are not available or were not evaluated, and the functional significance of this variant is currently unknown. This variant has not been reported in the literature in individuals affected with SCN1B-related conditions. This variant is not present in population databases (gnomAD no frequency). This sequence change results in a frameshift in the SCN1B gene (p.Leu208Valfs*99). While this is not anticipated to result in nonsense mediated decay, it is expected to disrupt the last 61 amino acid(s) of the SCN1B protein and extend the protein by 37 additional amino acid residues.

NM_001037.5(SCN1B):c.448+174_448+175del

Gene: SCN1B (sodium voltage-gated channel beta subunit 1; plus strand). Cytogenetic location: 19q13.11.
Variant type: Microsatellite.
Coding change: c.448+174_448+175del on transcript NM_001037.5 (MANE Select); bases 174 to 175 of the intron after coding-DNA position 448, 2 bases deleted (CT; older notation c.448+174_448+175delCT).
Molecular consequence: intron variant. On other transcripts: frameshift variant (1).
Genome position (GRCh38, 1-based): chr19:35,033,913-35,033,914, CT deleted; deleting any 2 consecutive bases within chr19:35,033,911-35,033,914 gives the same sequence; the c. name uses the placement nearest the transcript's 3' end. VCF-style (leftmost placement, unchanged base first): chr19-35033910-CCT-C. GRCh37 (hg19) VCF-style: chr19-35524814-CCT-C.
Other names: c.622_623del, p.Leu208fs (NM_199037.5); c.349+174_349+175del (NM_001321605.2); short protein forms L208fs.
Identifiers: ClinVar variation 1395859 (VCV001395859.6), dbSNP rs2151746627, ClinGen allele CA2580613106.